The following is an entry in ClinVar:

ClinVar aggregate classification (germline): Pathogenic. Review status: criteria provided, multiple submitters, no conflicts (2 of 4 stars). 3 submissions from 3 submitters: Pathogenic (2). 1 of the submissions does not count toward it. Last evaluated 2025-11-27.

Conditions:
Osteogenesis imperfecta type I (OI1). Also called: OI, TYPE I; OSTEOGENESIS IMPERFECTA TARDA; OSTEOGENESIS IMPERFECTA WITH BLUE SCLERAE; Osteogenesis imperfecta type 1; Lobstein's Disease; Lobstein disease. Identifiers: Orphanet 216796, Orphanet 666, MedGen C0023931, MONDO:0008146, OMIM 166200. Disease mechanism: loss of function.
Osteogenesis imperfecta with normal sclerae, dominant form (OI4). Also called: OSTEOGENESIS IMPERFECTA WITH NORMAL SCLERAE; Osteogenesis imperfecta type 4; OSTEOGENESIS IMPERFECTA, TYPE IV, WITH DENTINOGENESIS IMPERFECTA; Osteogenesis Imperfecta Type IV; Common Variable Osteogenesis Imperfecta with Normal Sclerae. Identifiers: Orphanet 216820, Orphanet 666, MedGen C0268363, MONDO:0008148, OMIM 166220.

Allele frequency attached by ClinVar (database versions not stated): gnomAD exomes below 0.00001.

Submissions (3):

Labcorp Genetics (formerly Invitae), Labcorp
Classification: Pathogenic for Osteogenesis imperfecta type I. Last evaluated: 2025-11-27. Review status: criteria provided, single submitter. Criteria: Invitae Variant Classification Sherloc (09022015). Collection method: clinical testing. Allele origin: germline.
Comment: This sequence change affects a donor splice site in intron 13 of the COL1A1 gene. It is expected to disrupt RNA splicing. Variants that disrupt the donor or acceptor splice site typically lead to a loss of protein function (PMID: 16199547), and loss-of-function variants in COL1A1 are known to be pathogenic (PMID: 7942841, 9295084, 9443882). This variant is present in population databases (no rsID available, gnomAD 0.006%). Disruption of this splice site has been observed in individuals with osteogenesis imperfecta, type 1 (PMID: 25963598). ClinVar contains an entry for this variant (Variation ID: 456799). Algorithms developed to predict the effect of sequence changes on RNA splicing suggest that this variant may disrupt the consensus splice site. For these reasons, this variant has been classified as Pathogenic.

Genomic Medicine Center of Excellence, King Faisal Specialist Hospital and Research Centre
Classification: Pathogenic for Osteogenesis imperfecta type I. Last evaluated: 2024-04-04. Review status: criteria provided, single submitter. Criteria: ACMG Guidelines, 2015. Collection method: clinical testing. Allele origin: germline.

Clinical Laboratory Sciences Program (CLSP), King Saud bin Abdulaziz University for Health Sciences (KSAU-HS)
Classification: Pathogenic for Osteogenesis imperfecta with normal sclerae, dominant form. Last evaluated: 2023-04-01. Review status: no assertion criteria provided. Collection method: clinical testing. Allele origin: germline. Affected: yes. Not counted in ClinVar's aggregate classification.

Literature cited by the submitters: PubMed 16199547 (cited by Labcorp Genetics (formerly Invitae), Labcorp); PubMed 7942841 (cited by Labcorp Genetics (formerly Invitae), Labcorp); PubMed 9295084 (cited by Labcorp Genetics (formerly Invitae), Labcorp); PubMed 9443882 (cited by Labcorp Genetics (formerly Invitae), Labcorp); PubMed 25963598 (cited by Labcorp Genetics (formerly Invitae), Labcorp).

NM_000088.4(COL1A1):c.903+1G>A

Genes: COL1A1 (collagen type I alpha 1 chain; minus strand), LOC126862586 (CDK7 strongly-dependent group 2 enhancer GRCh37_chr17:48273702-48274901; plus strand). Cytogenetic location: 17q21.33.
Variant type: single nucleotide variant.
Coding change: c.903+1G>A on transcript NM_000088.4 (MANE Select); the canonical splice donor site of the intron after coding-DNA position 903, G replaced by A.
Molecular consequence: splice donor variant.
Genome position (GRCh38, 1-based): chr17:50,196,483, C>T on the plus strand (G>A on the coding strand, the complement: COL1A1 is on the minus strand). VCF-style: chr17-50196483-C-T. GRCh37 (hg19) VCF-style: chr17-48273844-C-T.
Identifiers: ClinVar variation 456799 (VCV000456799.26), dbSNP rs1298621011, ClinGen allele CA400222006.